The following is an entry in ClinVar:

ClinVar aggregate classification (germline): Uncertain significance (1 of 4 stars; one submission).

Submission:

Labcorp Genetics (formerly Invitae), Labcorp
Classification: Uncertain significance. Last evaluated: 2021-04-30. Review status: criteria provided, single submitter. Criteria: Invitae Variant Classification Sherloc (09022015). Collection method: clinical testing. Allele origin: germline.
Comment: In summary, the available evidence is currently insufficient to determine the role of this variant in disease. Therefore, it has been classified as a Variant of Uncertain Significance. Algorithms developed to predict the effect of missense changes on protein structure and function are either unavailable or do not agree on the potential impact of this missense change (SIFT: "Deleterious"; PolyPhen-2: "Benign"; Align-GVGD: "Class C0"). This variant has not been reported in the literature in individuals with CTNNA1-related conditions. This variant is not present in population databases (ExAC no frequency). This sequence change replaces alanine with proline at codon 784 of the CTNNA1 protein (p.Ala784Pro). The alanine residue is highly conserved and there is a small physicochemical difference between alanine and proline.

NM_001903.5(CTNNA1):c.2350G>C (p.Ala784Pro)

Gene: CTNNA1 (catenin alpha 1; plus strand). Cytogenetic location: 5q31.2.
Variant type: single nucleotide variant.
Coding change: c.2350G>C on transcript NM_001903.5 (MANE Select); coding-DNA position 2350, G replaced by C.
Protein change: p.Ala784Pro; replaces alanine 784 with proline.
Molecular consequence: missense variant. On other transcripts: intron variant (1).
Genome position (GRCh38, 1-based): chr5:138,932,629, G>C. VCF-style: chr5-138932629-G-C. GRCh37 (hg19) VCF-style: chr5-138268318-G-C.
Other names: c.2350G>C, p.Ala784Pro (NM_001290307.3, NM_001323982.2, NM_001323983.1 and 2 more transcripts); c.2041G>C, p.Ala681Pro (NM_001290309.3); c.1981G>C, p.Ala661Pro (NM_001290310.3); c.1240G>C, p.Ala414Pro (NM_001290312.1, NM_001323987.1, NM_001323988.1 and 16 more transcripts); c.2257G>C, p.Ala753Pro (NM_001323986.2); c.901G>C, p.Ala301Pro (NM_001324006.1, NM_001324007.1, NM_001324008.1 and 2 more transcripts); c.1147G>C, p.Ala383Pro (NM_001324011.1); c.997G>C, p.Ala333Pro (NM_001324012.1, NM_001324013.1); and 1 more; short protein forms A301P, A333P, A414P, A681P, A383P, A784P, A753P, A661P.
Identifiers: ClinVar variation 1425024 (VCV001425024.8), dbSNP rs1204441821, ClinGen allele CA361134382.
Genomic context (GRCh38, chr5:138,932,629, plus strand): 5'-TCTCTTCAGTGCCCCGACTCGGCTTGCAAGCAGGACCTGCTGGCCTACCTGCAACGCATC[G>C]CCCTCTACTGCCACCAGCTGAACATCTGCAGCAAGGTCAAGGCCGAGGTGCAGAATCTCG-3'
Protein context (NP_001894.2, residues 774-794): QDLLAYLQRI[Ala784Pro]LYCHQLNICS